The following is an entry in ClinVar:

NM_006939.4(SOS2):c.3410A>G (p.His1137Arg)

Gene: SOS2 (SOS Ras/Rho guanine nucleotide exchange factor 2; minus strand). Cytogenetic location: 14q21.3.
Variant type: single nucleotide variant.
Coding change: c.3410A>G on transcript NM_006939.4 (MANE Select); coding-DNA position 3410, A replaced by G.
Protein change: p.His1137Arg; replaces histidine 1137 with arginine.
Molecular consequence: missense variant.
Genome position (GRCh38, 1-based): chr14:50,120,354, T>C on the plus strand (A>G on the coding strand, the complement: SOS2 is on the minus strand). VCF-style: chr14-50120354-T-C. GRCh37 (hg19) VCF-style: chr14-50587072-T-C.
Other names: c.3311A>G, p.His1104Arg (NM_001411020.1); short protein forms H1104R, H1137R.
Identifiers: ClinVar variation 1809812 (VCV001809812.5), dbSNP rs1883462173, ClinGen allele CA389639300.

ClinVar aggregate classification (germline): Uncertain significance. Review status: criteria provided, multiple submitters, no conflicts (2 of 4 stars). 2 submissions from 2 submitters: Uncertain significance (2). Last evaluated 2026-07-29.

Conditions:
Noonan syndrome 9 (NS9). Identifiers: Orphanet 648, MedGen C4225282, MONDO:0014691, OMIM 616559.

Allele frequency attached by ClinVar (database versions not stated): TOPMed below 0.00001.

Submissions (2):

GeneDx
Classification: Uncertain significance. Last evaluated: 2026-07-29. Review status: criteria provided, single submitter. Criteria: GeneDx Variant Classification Process June 2021. Collection method: clinical testing. Allele origin: germline.
Comment: Not observed at significant frequency in large population cohorts (gnomAD); In silico analysis suggests that this missense variant does not alter protein structure/function; Has not been previously published as pathogenic or benign to our knowledge

Labcorp Genetics (formerly Invitae), Labcorp
Classification: Uncertain significance for Noonan syndrome 9. Last evaluated: 2024-05-05. Review status: criteria provided, single submitter. Criteria: Invitae Variant Classification Sherloc (09022015). Collection method: clinical testing. Allele origin: germline.
Comment: This sequence change replaces histidine, which is basic and polar, with arginine, which is basic and polar, at codon 1137 of the SOS2 protein (p.His1137Arg). This variant is not present in population databases (gnomAD no frequency). This variant has not been reported in the literature in individuals affected with SOS2-related conditions. ClinVar contains an entry for this variant (Variation ID: 1809812). Advanced modeling of protein sequence and biophysical properties (such as structural, functional, and spatial information, amino acid conservation, physicochemical variation, residue mobility, and thermodynamic stability) performed at Invitae indicates that this missense variant is not expected to disrupt SOS2 protein function with a negative predictive value of 95%. In summary, the available evidence is currently insufficient to determine the role of this variant in disease. Therefore, it has been classified as a Variant of Uncertain Significance.